The following is an entry in ClinVar:

ClinVar aggregate classification (germline): Uncertain significance (1 of 4 stars; one submission).

Conditions:
Hereditary cancer-predisposing syndrome. Also called: Hereditary neoplastic syndrome; Neoplastic Syndromes, Hereditary; Tumor predisposition; Hereditary Cancer Syndrome. Identifiers: Orphanet 140162, MedGen C0027672, MeSH D009386, MONDO:0015356.

Submission:

Ambry Genetics
Classification: Uncertain significance for Hereditary cancer-predisposing syndrome. Last evaluated: 2025-09-12. Review status: criteria provided, single submitter. Criteria: Ambry Variant Classification Scheme 2023. Collection method: clinical testing. Allele origin: germline.
Comment: The p.V1929D variant (also known as c.5786T>A), located in coding exon 42 of the POLE gene, results from a T to A substitution at nucleotide position 5786. The valine at codon 1929 is replaced by aspartic acid, an amino acid with highly dissimilar properties. This amino acid position is conserved. In addition, this alteration is predicted to be tolerated by in silico analysis. Based on the available evidence, the clinical significance of this variant remains unclear.

NM_006231.4(POLE):c.5786T>A (p.Val1929Asp)

Gene: POLE (DNA polymerase epsilon, catalytic subunit; minus strand). Cytogenetic location: 12q24.33.
Variant type: single nucleotide variant.
Coding change: c.5786T>A on transcript NM_006231.4 (MANE Select); coding-DNA position 5786, T replaced by A.
Protein change: p.Val1929Asp; replaces valine 1929 with aspartic acid.
Molecular consequence: missense variant.
Genome position (GRCh38, 1-based): chr12:132,635,917, A>T on the plus strand (T>A on the coding strand, the complement: POLE is on the minus strand). VCF-style: chr12-132635917-A-T. GRCh37 (hg19) VCF-style: chr12-133212503-A-T.
Other names: short protein forms V1929D.
Identifiers: ClinVar variation 4141245 (VCV004141245.1).